The following is an entry in ClinVar:

NM_000170.3(GLDC):c.2113del (p.Val705fs)

Gene: GLDC (glycine decarboxylase; minus strand). Cytogenetic location: 9p24.1.
Variant type: Deletion.
Coding change: c.2113del on transcript NM_000170.3 (MANE Select); coding-DNA position 2113, one base deleted (G; older notation c.2113delG).
Protein change: p.Val705fs; shifts the reading frame from valine 705.
Molecular consequence: frameshift variant.
Genome position (GRCh38, 1-based): chr9:6,556,242, C deleted on the plus strand (G on the coding strand, the reverse complement: GLDC is on the minus strand); the first of 4 consecutive C bases (chr9:6,556,242-6,556,245); deleting any one gives the same sequence. VCF-style (leftmost placement, unchanged base first): chr9-6556241-AC-A. GRCh37 (hg19) VCF-style: chr9-6556241-AC-A.
Other names: short protein forms V705fs.
Identifiers: ClinVar variation 1456116 (VCV001456116.6), dbSNP rs2129726392, ClinGen allele CA2573144490.

ClinVar aggregate classification (germline): Pathogenic (1 of 4 stars; one submission).

Conditions:
Glycine encephalopathy. Also called: Non-ketotic hyperglycinemia; Nonketotic hyperglycinemia. Identifiers: Orphanet 407, MedGen C0751748, MONDO:0011612, HP:0008288.

Submission:

Labcorp Genetics (formerly Invitae), Labcorp
Classification: Pathogenic for Glycine encephalopathy. Last evaluated: 2021-10-01. Review status: criteria provided, single submitter. Criteria: Invitae Variant Classification Sherloc (09022015). Collection method: clinical testing. Allele origin: germline.
Comment: For these reasons, this variant has been classified as Pathogenic. This variant has not been reported in the literature in individuals affected with GLDC-related conditions. This variant is not present in population databases (ExAC no frequency). This sequence change creates a premature translational stop signal (p.Val705Cysfs*22) in the GLDC gene. It is expected to result in an absent or disrupted protein product. Loss-of-function variants in GLDC are known to be pathogenic (PMID: 16601880).

Literature cited by the submitters: PubMed 16601880.